The following is an entry in ClinVar:

ClinVar aggregate classification (germline): Uncertain significance (1 of 4 stars; one submission).

Conditions:
Cardiovascular phenotype. Identifiers: MedGen CN230736.

Allele frequency attached by ClinVar (database versions not stated): gnomAD exomes below 0.00001; TOPMed below 0.00001.
gnomAD v4.1: 1 of 1,609,190 alleles (0.000062%); highest among the groups gnomAD compares: Non-Finnish European, 0.000085%; no homozygotes.

Submission:

Ambry Genetics
Classification: Uncertain significance for Cardiovascular phenotype. Last evaluated: 2022-09-26. Review status: criteria provided, single submitter. Criteria: Ambry Variant Classification Scheme 2023. Collection method: clinical testing. Allele origin: germline.
Comment: The p.Q333H variant (also known as c.999G>C), located in coding exon 4 of the ALPK3 gene, results from a G to C substitution at nucleotide position 999. The glutamine at codon 333 is replaced by histidine, an amino acid with highly similar properties. This amino acid position is conserved. In addition, this alteration is predicted to be tolerated by in silico analysis. Since supporting evidence is limited at this time, the clinical significance of this alteration remains unclear.

NM_020778.5(ALPK3):c.393G>C (p.Gln131His)

Gene: ALPK3 (alpha kinase 3; plus strand). Cytogenetic location: 15q25.3.
Variant type: single nucleotide variant.
Coding change: c.393G>C on transcript NM_020778.5 (MANE Select); coding-DNA position 393, G replaced by C.
Protein change: p.Gln131His; replaces glutamine 131 with histidine.
Molecular consequence: missense variant.
Genome position (GRCh38, 1-based): chr15:84,839,068, G>C. VCF-style: chr15-84839068-G-C. GRCh37 (hg19) VCF-style: chr15-85382299-G-C.
Other names: short protein forms Q131H.
Identifiers: ClinVar variation 1768862 (VCV001768862.2), dbSNP rs1963626604, ClinGen allele CA393371975.